The following is an entry in ClinVar:

NM_001365536.1(SCN9A):c.2017T>C (p.Tyr673His)

Genes: SCN1A-AS1 (SCN1A and SCN9A antisense RNA 1; plus strand), SCN9A (sodium voltage-gated channel alpha subunit 9; minus strand). Cytogenetic location: 2q24.3.
Variant type: single nucleotide variant.
Coding change: c.2017T>C on transcript NM_001365536.1 (MANE Select); coding-DNA position 2017, T replaced by C.
Protein change: p.Tyr673His; replaces tyrosine 673 with histidine.
Molecular consequence: missense variant.
Genome position (GRCh38, 1-based): chr2:166,281,766, A>G on the plus strand (T>C on the coding strand, the complement: SCN9A is on the minus strand). VCF-style: chr2-166281766-A-G. GRCh37 (hg19) VCF-style: chr2-167138276-A-G.
Other names: c.1984T>C, p.Tyr662His (NM_002977.4); short protein forms Y673H, Y662H.
Identifiers: ClinVar variation 1411571 (VCV001411571.6), dbSNP rs772877752, ClinGen allele CA1944357.

ClinVar aggregate classification (germline): Uncertain significance (1 of 4 stars; one submission).

Conditions:
Generalized epilepsy with febrile seizures plus, type 7 (GEFSP7). Also called: GEFS+, TYPE 7. Identifiers: Orphanet 36387, MedGen C2751778, MONDO:0013470, OMIM 613863.
Neuropathy, hereditary sensory and autonomic, type 2A (HSAN2A). Also called: WNK1-Related HSAN2 (HSAN2A); MORVAN DISEASE; NEUROPATHY, CONGENITAL SENSORY; NEUROPATHY, HEREDITARY SENSORY RADICULAR, AUTOSOMAL RECESSIVE; NEUROPATHY, HEREDITARY SENSORY, TYPE IIA; NEUROPATHY, PROGRESSIVE SENSORY, OF CHILDREN. Identifiers: Orphanet 970, MedGen C2752089, MONDO:0024309, OMIM 201300.

Allele frequency attached by ClinVar (database versions not stated): gnomAD exomes below 0.00001; TOPMed below 0.00001; ExAC 0.00001.
gnomAD v4.1: 2 of 1,613,330 alleles (0.00012%); highest among the groups gnomAD compares: South Asian, 0.0011%; no homozygotes.

Submission:

Labcorp Genetics (formerly Invitae), Labcorp
Classification: Uncertain significance for Neuropathy, hereditary sensory and autonomic, type 2A; Generalized epilepsy with febrile seizures plus, type 7. Last evaluated: 2021-09-15. Review status: criteria provided, single submitter. Criteria: Invitae Variant Classification Sherloc (09022015). Collection method: clinical testing. Allele origin: germline.
Comment: This sequence change replaces tyrosine with histidine at codon 662 of the SCN9A protein (p.Tyr662His). The tyrosine residue is highly conserved and there is a moderate physicochemical difference between tyrosine and histidine. This variant is present in population databases (rs772877752, ExAC 0.006%). In summary, the available evidence is currently insufficient to determine the role of this variant in disease. Therefore, it has been classified as a Variant of Uncertain Significance. Algorithms developed to predict the effect of missense changes on protein structure and function (SIFT, PolyPhen-2, Align-GVGD) all suggest that this variant is likely to be tolerated. This variant has not been reported in the literature in individuals affected with SCN9A-related conditions.